The following is an entry in ClinVar:

NM_017780.4(CHD7):c.7804A>G (p.Thr2602Ala)

Gene: CHD7 (chromodomain helicase DNA binding protein 7; plus strand). Cytogenetic location: 8q12.2.
Variant type: single nucleotide variant.
Coding change: c.7804A>G on transcript NM_017780.4 (MANE Select); coding-DNA position 7804, A replaced by G.
Protein change: p.Thr2602Ala; replaces threonine 2602 with alanine.
Molecular consequence: missense variant. On other transcripts: intron variant (1).
Genome position (GRCh38, 1-based): chr8:60,861,099, A>G. VCF-style: chr8-60861099-A-G. GRCh37 (hg19) VCF-style: chr8-61773658-A-G.
Other names: c.1717-1130A>G (NM_001316690.1); short protein forms T2602A.
Identifiers: ClinVar variation 2959606 (VCV002959606.3), dbSNP rs2488108783, ClinGen allele CA371304735.

ClinVar aggregate classification (germline): Uncertain significance (1 of 4 stars; one submission).

Conditions:
CHARGE syndrome (CHARGE). Also called: Hittner Hirsch Kreh syndrome; CHARGE ASSOCIATION--COLOBOMA, HEART ANOMALY, CHOANAL ATRESIA, RETARDATION, GENITAL AND EAR ANOMALIES; Coloboma, heart anomaly, choanal atresia, retardation, genital and ear anomalies; CHARGE association; Hall-Hittner syndrome. Identifiers: Orphanet 138, MedGen C0265354, MONDO:0008965.

Submission:

Labcorp Genetics (formerly Invitae), Labcorp
Classification: Uncertain significance for CHARGE syndrome. Last evaluated: 2024-10-22. Review status: criteria provided, single submitter. Criteria: Invitae Variant Classification Sherloc (09022015). Collection method: clinical testing. Allele origin: germline.
Comment: This sequence change replaces threonine, which is neutral and polar, with alanine, which is neutral and non-polar, at codon 2602 of the CHD7 protein (p.Thr2602Ala). This variant is not present in population databases (gnomAD no frequency). This variant has not been reported in the literature in individuals affected with CHD7-related conditions. Invitae Evidence Modeling of protein sequence and biophysical properties (such as structural, functional, and spatial information, amino acid conservation, physicochemical variation, residue mobility, and thermodynamic stability) indicates that this missense variant is not expected to disrupt CHD7 protein function with a negative predictive value of 95%. In summary, the available evidence is currently insufficient to determine the role of this variant in disease. Therefore, it has been classified as a Variant of Uncertain Significance.